The following is an entry in ClinVar:

NM_001382567.1(STIM1):c.1616A>G (p.His539Arg)

Gene: STIM1 (stromal interaction molecule 1; plus strand). Cytogenetic location: 11p15.4.
Variant type: single nucleotide variant.
Coding change: c.1616A>G on transcript NM_001382567.1 (MANE Select); coding-DNA position 1616, A replaced by G.
Protein change: p.His539Arg; replaces histidine 539 with arginine.
Molecular consequence: missense variant. On other transcripts: non-coding transcript variant (3).
Genome position (GRCh38, 1-based): chr11:4,086,525, A>G. VCF-style: chr11-4086525-A-G. GRCh37 (hg19) VCF-style: chr11-4107755-A-G.
Other names: c.1523A>G, p.His508Arg (NM_001277961.3, NM_001277962.2, NM_003156.4); c.1301A>G, p.His434Arg (NM_001382566.1, NM_001382575.1, NM_001382576.1 and 3 more transcripts); c.1544A>G, p.His515Arg (NM_001382568.1); c.1388A>G, p.His463Arg (NM_001382569.1); c.1295A>G, p.His432Arg (NM_001382570.1); c.1043A>G, p.His348Arg (NM_001382571.1); c.1034A>G, p.His345Arg (NM_001382580.1, NM_001382581.1); short protein forms H345R, H348R, H432R, H434R, H463R, H508R, H515R, H539R.
Identifiers: ClinVar variation 1019491 (VCV001019491.11), dbSNP rs2094494239, ClinGen allele CA379195281.
Genomic context (GRCh38, chr11:4,086,525, plus strand): 5'-TTCTCCTTGCAGCCCCTAGCCTGCAGAGCAGTGTTCGGCAGCGCCTGACGGAGCCACAGC[A>G]TGGCCTGGGATCTCAGAGGTTGGTAGAGGGCGAGGCTGGCCACTTCTTGACAAGCCGGGT-3'
Protein context (NP_001369496.1, residues 529-549): SVRQRLTEPQ[His539Arg]GLGSQRDLTH

ClinVar aggregate classification (germline): Uncertain significance (1 of 4 stars; one submission).

Conditions:
Stormorken syndrome (STRMK). Also called: THROMBOCYTOPATHY, ASPLENIA, AND MIOSIS. Identifiers: Orphanet 3204, MedGen C1861451, MONDO:0008497, OMIM 185070.
Myopathy with tubular aggregates (TAM). Also called: Tubular Aggregate Myopathy. Identifiers: Orphanet 2593, MedGen C0410207, MONDO:0008051.
Combined immunodeficiency due to STIM1 deficiency. Also called: IMMUNODEFICIENCY 10; STIM1 DEFICIENCY. Identifiers: Orphanet 169090, Orphanet 317430, MedGen C2748557, MONDO:0013008, OMIM 612783.

Allele frequency attached by ClinVar (database versions not stated): gnomAD exomes below 0.00001; TOPMed below 0.00001; gnomAD 0.00001.

Submission:

Labcorp Genetics (formerly Invitae), Labcorp
Classification: Uncertain significance for Myopathy with tubular aggregates; Combined immunodeficiency due to STIM1 deficiency; Stormorken syndrome. Last evaluated: 2024-11-15. Review status: criteria provided, single submitter. Criteria: Invitae Variant Classification Sherloc (09022015). Collection method: clinical testing. Allele origin: germline.
Comment: This sequence change replaces histidine, which is basic and polar, with arginine, which is basic and polar, at codon 508 of the STIM1 protein (p.His508Arg). This variant is not present in population databases (gnomAD no frequency). This variant has not been reported in the literature in individuals affected with STIM1-related conditions. ClinVar contains an entry for this variant (Variation ID: 1019491). Invitae Evidence Modeling of protein sequence and biophysical properties (such as structural, functional, and spatial information, amino acid conservation, physicochemical variation, residue mobility, and thermodynamic stability) has been performed for this missense variant. However, the output from this modeling did not meet the statistical confidence thresholds required to predict the impact of this variant on STIM1 protein function. In summary, the available evidence is currently insufficient to determine the role of this variant in disease. Therefore, it has been classified as a Variant of Uncertain Significance.